The following is an entry in ClinVar:

NM_017780.4(CHD7):c.8546del (p.Glu2849fs)

Gene: CHD7 (chromodomain helicase DNA binding protein 7; plus strand). Cytogenetic location: 8q12.2.
Variant type: Deletion.
Coding change: c.8546del on transcript NM_017780.4 (MANE Select); coding-DNA position 8546, one base deleted (A; older notation c.8546delA).
Protein change: p.Glu2849fs; shifts the reading frame from glutamic acid 2849.
Molecular consequence: frameshift variant.
Genome position (GRCh38, 1-based): chr8:60,865,485, A deleted. VCF-style (leftmost placement, unchanged base first): chr8-60865484-GA-G. GRCh37 (hg19) VCF-style: chr8-61778043-GA-G.
Other names: c.2399del, p.Glu800fs (NM_001316690.1); short protein forms E2849fs, E800fs.
Identifiers: ClinVar variation 1676546 (VCV001676546.3), dbSNP rs2129765592, ClinGen allele CA2573143279.
Genomic context (GRCh38, chr8:60,865,484, plus strand): 5'-ACTGCTTCTAGTCAAGGAGAACCGGAAGACAGCACTTCAAAAGGAGAGGAGAAAGGAAAT[GA>G]GAATGAAGACGAGAACAAAGACTCTGAGAAAAGCACAGATGCTGTTTCGGCTGCTGACTC-3'

ClinVar aggregate classification (germline): Pathogenic (1 of 4 stars; one submission).

Conditions:
CHARGE syndrome (CHARGE). Also called: Coloboma, heart anomaly, choanal atresia, retardation, genital and ear anomalies; CHARGE association; Hall-Hittner syndrome; Hittner Hirsch Kreh syndrome; CHARGE ASSOCIATION--COLOBOMA, HEART ANOMALY, CHOANAL ATRESIA, RETARDATION, GENITAL AND EAR ANOMALIES. Identifiers: Orphanet 138, MedGen C0265354, MONDO:0008965.
Hypogonadotropic hypogonadism 5 with or without anosmia (KAL5). Also called: HYPOGONADOTROPIC HYPOGONADISM 5 WITH ANOSMIA; HYPOGONADOTROPHIC HYPOGONADISM 5 WITHOUT ANOSMIA; CHD7-Related GnRH Deficiency (Kallmann Syndrome 5). Identifiers: Orphanet 478, MedGen C3552553, MONDO:0012880, OMIM 612370. Disease mechanism: loss of function.

Submission:

Greenwood Genetic Center Diagnostic Laboratories, Greenwood Genetic Center
Classification: Pathogenic for CHD7-related CHARGE syndrome; Hypogonadotropic hypogonadism 5 with or without anosmia. Last evaluated: 2022-01-24. Review status: criteria provided, single submitter. Criteria: ACMG Guidelines, 2015. Collection method: clinical testing. Allele origin: germline. Affected: yes.
Comment: PVS1, PS2, PM2